The following is an entry in ClinVar:

NM_000021.4(PSEN1):c.1388A>G (p.His463Arg)

Gene: PSEN1 (presenilin 1; plus strand). Cytogenetic location: 14q24.2.
Variant type: single nucleotide variant.
Coding change: c.1388A>G on transcript NM_000021.4 (MANE Select); coding-DNA position 1388, A replaced by G.
Protein change: p.His463Arg; replaces histidine 463 with arginine.
Molecular consequence: missense variant.
Genome position (GRCh38, 1-based): chr14:73,219,273, A>G. VCF-style: chr14-73219273-A-G. GRCh37 (hg19) VCF-style: chr14-73685981-A-G.
Other names: c.1376A>G, p.His459Arg (NM_007318.3); short protein forms H459R, H463R.
Identifiers: ClinVar variation 3758313 (VCV003758313.2).

ClinVar aggregate classification (germline): Uncertain significance (1 of 4 stars; one submission).

Conditions:
Pick disease. Also called: PICK DISEASE OF BRAIN; Pick Disease of the Brain; DEMENTIA WITH LOBAR ATROPHY AND NEURONAL CYTOPLASMIC INCLUSIONS; LOBAR ATROPHY OF BRAIN; Pick's disease. Identifiers: Orphanet 282, MedGen C0236642, MONDO:0008243, OMIM 172700.
Acne inversa, familial, 3 (ACNINV3). Identifiers: MedGen C3151038, MONDO:0013398, OMIM 613737.
Alzheimer disease 3 (AD3). Also called: ALZHEIMER DISEASE, FAMILIAL, 3. Identifiers: Orphanet 1020, MedGen C1843013, MONDO:0011913, OMIM 607822.
Frontotemporal dementia (FTD1). Also called: Frontotemporal lobe dementia (FLDEM); FRONTOTEMPORAL LOBAR DEGENERATION WITH TAU INCLUSIONS; FTLD WITH TAU INCLUSIONS; Frontotemporal Dementia with Parkinsonism-17 (FTDP-17); FRONTOTEMPORAL DEMENTIA WITH PARKINSONISM; FRONTOTEMPORAL LOBE DEMENTIA. Identifiers: Orphanet 282, MedGen C0338451, MONDO:0017276, OMIM 600274, HP:0002145.

gnomAD v4.1: 7 of 1,613,488 alleles (0.00043%); highest among the groups gnomAD compares: African/African-American, 0.0093%; no homozygotes.

Submission:

Labcorp Genetics (formerly Invitae), Labcorp
Classification: Uncertain significance for Alzheimer disease 3; Pick disease; Acne inversa, familial, 3; Frontotemporal dementia. Last evaluated: 2024-03-21. Review status: criteria provided, single submitter. Criteria: Invitae Variant Classification Sherloc (09022015). Collection method: clinical testing. Allele origin: germline.
Comment: This sequence change replaces histidine, which is basic and polar, with arginine, which is basic and polar, at codon 463 of the PSEN1 protein (p.His463Arg). This variant is present in population databases (rs780119074, gnomAD 0.02%). This variant has not been reported in the literature in individuals affected with PSEN1-related conditions. Advanced modeling of protein sequence and biophysical properties (such as structural, functional, and spatial information, amino acid conservation, physicochemical variation, residue mobility, and thermodynamic stability) performed at Invitae indicates that this missense variant is not expected to disrupt PSEN1 protein function with a negative predictive value of 80%. In summary, the available evidence is currently insufficient to determine the role of this variant in disease. Therefore, it has been classified as a Variant of Uncertain Significance.